The following is an entry in ClinVar:

NM_001365276.2(TNXB):c.12112G>T (p.Ala4038Ser)

Genes: TNXB (tenascin XB; minus strand), LOC106780803 (tenascin XB recombination region; plus strand). Cytogenetic location: 6p21.33.
Variant type: single nucleotide variant.
Coding change: c.12112G>T on transcript NM_001365276.2 (MANE Select); coding-DNA position 12112, G replaced by T.
Protein change: p.Ala4038Ser; replaces alanine 4038 with serine.
Molecular consequence: missense variant.
Genome position (GRCh38, 1-based): chr6:32,042,553, C>A on the plus strand (G>T on the coding strand, the complement: TNXB is on the minus strand). VCF-style: chr6-32042553-C-A. GRCh37 (hg19) VCF-style: chr6-32010330-C-A.
Other names: c.12106G>T, p.Ala4036Ser (NM_019105.8); c.1399G>T, p.Ala467Ser (NM_032470.4); short protein forms A4036S, A4038S, A467S.
Identifiers: ClinVar variation 2635849 (VCV002635849.2), dbSNP rs961352374, ClinGen allele CA136895955.

ClinVar aggregate classification (germline): Uncertain significance. Review status: criteria provided, multiple submitters, no conflicts (2 of 4 stars). 2 submissions from 2 submitters: Uncertain significance (2). Last evaluated 2024-08-20.

Conditions:
Cardiovascular phenotype. Identifiers: MedGen CN230736.
TNXB-related disorder. Also called: TNXB-related condition.

Allele frequency attached by ClinVar (database versions not stated): gnomAD exomes below 0.00001; gnomAD 0.00001; TOPMed 0.00001.
gnomAD v4.1: 2 of 1,609,532 alleles (0.00012%); highest among the groups gnomAD compares: African/African-American, 0.0013%; no homozygotes.

Submissions (2):

Ambry Genetics
Classification: Uncertain significance for Cardiovascular phenotype. Last evaluated: 2024-08-20. Review status: criteria provided, single submitter. Criteria: Ambry Variant Classification Scheme 2023. Collection method: clinical testing. Allele origin: germline.

PreventionGenetics, part of Exact Sciences
Classification: Uncertain significance for TNXB-related condition. Last evaluated: 2023-10-10. Review status: criteria provided, single submitter. Criteria: ACMG Guidelines, 2015. Collection method: clinical testing. Allele origin: germline.
Comment: The TNXB c.12106G>T variant is predicted to result in the amino acid substitution p.Ala4036Ser. To our knowledge, this variant has not been reported in the literature or in a large population database, indicating this variant is rare. At this time, the clinical significance of this variant is uncertain due to the absence of conclusive functional and genetic evidence.